The following is an entry in ClinVar:

ClinVar aggregate classification (germline): Uncertain significance (1 of 4 stars; one submission).

Conditions:
Multiple congenital anomalies-hypotonia-seizures syndrome 3 (MCAHS3). Also called: GLYCOSYLPHOSPHATIDYLINOSITOL BIOSYNTHESIS DEFECT 7. Identifiers: Orphanet 369837, MedGen C3809356, MONDO:0014165, OMIM 615398.

Submission:

Labcorp Genetics (formerly Invitae), Labcorp
Classification: Uncertain significance for Multiple congenital anomalies-hypotonia-seizures syndrome 3. Last evaluated: 2022-07-11. Review status: criteria provided, single submitter. Criteria: Invitae Variant Classification Sherloc (09022015). Collection method: clinical testing. Allele origin: germline.
Comment: This sequence change replaces leucine, which is neutral and non-polar, with phenylalanine, which is neutral and non-polar, at codon 7 of the PIGT protein (p.Leu7Phe). This variant is not present in population databases (gnomAD no frequency). This variant has not been reported in the literature in individuals affected with PIGT-related conditions. Algorithms developed to predict the effect of missense changes on protein structure and function are either unavailable or do not agree on the potential impact of this missense change (SIFT: "Tolerated"; PolyPhen-2: "Not Available"; Align-GVGD: "Class C0"). In summary, the available evidence is currently insufficient to determine the role of this variant in disease. Therefore, it has been classified as a Variant of Uncertain Significance.

NM_015937.6(PIGT):c.19C>T (p.Leu7Phe)

Gene: PIGT (phosphatidylinositol glycan anchor biosynthesis class T; plus strand). Cytogenetic location: 20q13.12.
Variant type: single nucleotide variant.
Coding change: c.19C>T on transcript NM_015937.6 (MANE Select); coding-DNA position 19, C replaced by T.
Protein change: p.Leu7Phe; replaces leucine 7 with phenylalanine.
Molecular consequence: missense variant. On other transcripts: non-coding transcript variant (5).
Genome position (GRCh38, 1-based): chr20:45,416,175, C>T. VCF-style: chr20-45416175-C-T. GRCh37 (hg19) VCF-style: chr20-44044815-C-T.
Other names: c.19C>T, p.Leu7Phe (NM_001184728.3, NM_001184729.3, NM_001184730.3); short protein forms L7F.
Identifiers: ClinVar variation 2016001 (VCV002016001.4), dbSNP rs1989950317, ClinGen allele CA409165672.